The following is an entry in ClinVar:

NM_002098.6(GUCA1B):c.45G>C (p.Glu15Asp)

Gene: GUCA1B (guanylate cyclase activator 1B; minus strand). Cytogenetic location: 6p21.1.
Variant type: single nucleotide variant.
Coding change: c.45G>C on transcript NM_002098.6 (MANE Select); coding-DNA position 45, G replaced by C.
Protein change: p.Glu15Asp; replaces glutamic acid 15 with aspartic acid.
Molecular consequence: missense variant.
Genome position (GRCh38, 1-based): chr6:42,194,776, C>G on the plus strand (G>C on the coding strand, the complement: GUCA1B is on the minus strand). VCF-style: chr6-42194776-C-G. GRCh37 (hg19) VCF-style: chr6-42162514-C-G.
Other names: p.Glu15Asp; short protein forms E15D.
Identifiers: ClinVar variation 4087741 (VCV004087741.1).

ClinVar aggregate classification (germline): Uncertain significance (1 of 4 stars; one submission).

Conditions:
Retinitis pigmentosa 48 (RP48). Also called: GUCA1B-Related Retinitis Pigmentosa. Identifiers: Orphanet 791, MedGen C3151190, MONDO:0013447, OMIM 613827.

Submission:

Department of Opthalmology, Tianjin Medical University General Hospital
Classification: Uncertain significance for Retinitis pigmentosa 48. Last evaluated: 2022-12-16. Review status: criteria provided, single submitter. Criteria: ACMG Guidelines, 2015. Collection method: clinical testing. Allele origin: inherited. Affected: yes. Observed: 2 variant alleles, 2 heterozygotes. Clinical features observed: Rod-cone dystrophy (HP:0000510), Night blindness (HP:0000662).
Comment: Classified as Uncertain significance (VUS). Rationale: Variant is absent/ultra-rare in population databases (PM2_Supporting). In-silico predictions are conflicting (BP4_Moderate) — some algorithms predict tolerated, others deleterious. No functional data available. Further segregation and functional studies recommended. Evidence codes: PM2_supporting; BP4_moderate.